The following is an entry in ClinVar:

NM_005909.5(MAP1B):c.3794C>A (p.Ser1265Ter)

Gene: MAP1B (microtubule associated protein 1B; plus strand). Cytogenetic location: 5q13.2.
Variant type: single nucleotide variant.
Coding change: c.3794C>A on transcript NM_005909.5 (MANE Select); coding-DNA position 3794, C replaced by A.
Protein change: p.Ser1265Ter; replaces serine 1265 with a stop codon.
Molecular consequence: nonsense.
Genome position (GRCh38, 1-based): chr5:72,197,149, C>A. VCF-style: chr5-72197149-C-A. GRCh37 (hg19) VCF-style: chr5-71492976-C-A.
Other names: c.3416C>A, p.Ser1139Ter (NM_001324255.2); short protein forms S1139*, S1265*.
Identifiers: ClinVar variation 3068466 (VCV003068466.3), dbSNP rs2478577098, ClinGen allele CA360013199.

ClinVar aggregate classification (germline): Pathogenic (1 of 4 stars; one submission).

Conditions:
Periventricular nodular heterotopia 9. Identifiers: MedGen C5394503, MONDO:0030061, OMIM 618918.

Submission:

Institute of Human Genetics, University of Leipzig Medical Center
Classification: Pathogenic for Periventricular nodular heterotopia 9. Last evaluated: 2024-03-19. Review status: criteria provided, single submitter. Criteria: ACMG Guidelines, 2015. Collection method: clinical testing. Allele origin: maternal. Inheritance: Autosomal dominant inheritance. Affected: yes.
Comment: Criteria applied: PVS1,PM2